The following is an entry in ClinVar:

ClinVar aggregate classification (germline): Likely benign. Review status: criteria provided, multiple submitters, no conflicts (2 of 4 stars). 2 submissions from 2 submitters: Likely benign (2). Last evaluated 2025-11-12.

Conditions:
Cardiovascular phenotype. Identifiers: MedGen CN230736.

Allele frequency attached by ClinVar (database versions not stated): ExAC 0.00003.
gnomAD v4.1: 39 of 1,613,526 alleles (0.0024%); highest among the groups gnomAD compares: Non-Finnish European, 0.0031%; no homozygotes.

Submissions (2):

Mayo Clinic Laboratories, Mayo Clinic
Classification: Likely benign. Last evaluated: 2025-11-12. Review status: criteria provided, single submitter. Criteria: ACMG Guidelines, 2015. Collection method: clinical testing. Allele origin: germline. Observed: 1 variant allele.
Comment: BP4, BP7

Ambry Genetics
Classification: Likely benign for Cardiovascular phenotype. Last evaluated: 2021-06-23. Review status: criteria provided, single submitter. Criteria: Ambry Variant Classification Scheme 2023. Collection method: clinical testing. Allele origin: germline.

NM_001365276.2(TNXB):c.7359G>A (p.Gln2453=)

Gene: TNXB (tenascin XB; minus strand). Cytogenetic location: 6p21.33.
Variant type: single nucleotide variant.
Coding change: c.7359G>A on transcript NM_001365276.2 (MANE Select); coding-DNA position 7359, G replaced by A.
Protein change: p.Gln2453=; no amino-acid change (glutamine 2453 retained).
Molecular consequence: synonymous variant.
Genome position (GRCh38, 1-based): chr6:32,061,530, C>T on the plus strand (G>A on the coding strand, the complement: TNXB is on the minus strand). VCF-style: chr6-32061530-C-T. GRCh37 (hg19) VCF-style: chr6-32029307-C-T.
Other names: p.Gln2453=; c.7359G>A, p.Gln2453= (NM_019105.8).
Identifiers: ClinVar variation 1758481 (VCV001758481.3), dbSNP rs755223727, ClinGen allele CA3734177.